The following is an entry in ClinVar:

ClinVar aggregate classification (germline): Likely benign (0 of 4 stars; one submission).

Conditions:
TMC1-related disorder. Also called: TMC1-related condition; TMC1-related disorders.

Allele frequency attached by ClinVar (database versions not stated): ExAC 0.00001; gnomAD exomes 0.00001; gnomAD 0.00002; TOPMed 0.00005; ESP Exome Variant Server 0.00008.
gnomAD v4.1: 7 of 1,612,140 alleles (0.00043%); highest among the groups gnomAD compares: African/African-American, 0.0013%; no homozygotes.

Submission:

PreventionGenetics, part of Exact Sciences
Classification: Likely benign for TMC1-related condition. Last evaluated: 2020-07-28. Review status: no assertion criteria provided. Collection method: clinical testing. Allele origin: germline.
Comment: This variant is classified as likely benign based on ACMG/AMP sequence variant interpretation guidelines (Richards et al. 2015 PMID: 25741868, with internal and published modifications).

NM_138691.3(TMC1):c.16+4T>C

Gene: TMC1 (transmembrane channel like 1; plus strand). Cytogenetic location: 9q21.13.
Variant type: single nucleotide variant.
Coding change: c.16+4T>C on transcript NM_138691.3 (MANE Select); 4 bases into the intron after coding-DNA position 16, T replaced by C.
Molecular consequence: intron variant.
Genome position (GRCh38, 1-based): chr9:72,648,668, T>C. VCF-style: chr9-72648668-T-C. GRCh37 (hg19) VCF-style: chr9-75263584-T-C.
Identifiers: ClinVar variation 3036183 (VCV003036183.2), dbSNP rs374338788, ClinGen allele CA5081558.